The following is an entry in ClinVar:

ClinVar aggregate classification (germline): Uncertain significance (1 of 4 stars; one submission).

Allele frequency attached by ClinVar (database versions not stated): gnomAD exomes below 0.00001.
gnomAD v4.1: 1 of 1,563,746 alleles (0.000064%); highest among the groups gnomAD compares: Non-Finnish European, 0.000087%; no homozygotes.

Submission:

Ambry Genetics
Classification: Uncertain significance. Last evaluated: 2023-01-16. Review status: criteria provided, single submitter. Criteria: Ambry Variant Classification Scheme 2023. Collection method: clinical testing. Allele origin: germline.
Comment: The p.P258S variant (also known as c.772C>T), located in coding exon 8 of the PRKDC gene, results from a C to T substitution at nucleotide position 772. The proline at codon 258 is replaced by serine, an amino acid with similar properties. This amino acid position is conserved. In addition, the in silico prediction for this alteration is inconclusive. Since supporting evidence is limited at this time, the clinical significance of this alteration remains unclear.

NM_006904.7(PRKDC):c.772C>T (p.Pro258Ser)

Gene: PRKDC (protein kinase, DNA-activated, catalytic subunit; minus strand). Cytogenetic location: 8q11.21.
Variant type: single nucleotide variant.
Coding change: c.772C>T on transcript NM_006904.7 (MANE Select); coding-DNA position 772, C replaced by T.
Protein change: p.Pro258Ser; replaces proline 258 with serine.
Molecular consequence: missense variant.
Genome position (GRCh38, 1-based): chr8:47,943,979, G>A on the plus strand (C>T on the coding strand, the complement: PRKDC is on the minus strand). VCF-style: chr8-47943979-G-A. GRCh37 (hg19) VCF-style: chr8-48856539-G-A.
Other names: c.772C>T, p.Pro258Ser (NM_001081640.2); short protein forms P258S.
Identifiers: ClinVar variation 2449863 (VCV002449863.2), dbSNP rs868338036, ClinGen allele CA371136424.